The following is an entry in ClinVar:

NM_000136.3(FANCC):c.1329+207C>T

Genes: AOPEP (aminopeptidase O (putative); plus strand), FANCC (FA complementation group C; minus strand). Cytogenetic location: 9q22.32.
Variant type: single nucleotide variant.
Coding change: c.1329+207C>T on transcript NM_000136.3 (MANE Select); 207 bases into the intron after coding-DNA position 1329, C replaced by T.
Molecular consequence: intron variant. On other transcripts: synonymous variant (1).
Genome position (GRCh38, 1-based): chr9:95,111,256, G>A on the plus strand (C>T on the coding strand, the complement: FANCC is on the minus strand). VCF-style: chr9-95111256-G-A. GRCh37 (hg19) VCF-style: chr9-97873538-G-A.
Other names: c.1419C>T, p.Asp473= (NM_001243744.2); c.1329+207C>T (NM_001243743.2).
Identifiers: ClinVar variation 3029526 (VCV003029526.3), dbSNP rs1401576206, ClinGen allele CA589580843.

ClinVar aggregate classification (germline): Likely benign. Review status: criteria provided, single submitter (1 of 4 stars). 2 submissions from 2 submitters: Likely benign (1). 1 of the submissions does not count toward it. Last evaluated 2023-03-31.

Conditions:
FANCC-related disorder. Also called: FANCC-related condition.

Allele frequency attached by ClinVar (database versions not stated): gnomAD 0.00005; TOPMed 0.00005.
gnomAD v4.1: 20 of 1,543,534 alleles (0.0013%); highest among the groups gnomAD compares: East Asian, 0.012%; no homozygotes.

Submissions (2):

Blueprint Genetics
Classification: Likely benign. Last evaluated: 2023-03-31. Review status: criteria provided, single submitter. Criteria: ACMG Guidelines, 2015. Collection method: clinical testing. Allele origin: germline.

PreventionGenetics, part of Exact Sciences
Classification: Likely benign for FANCC-related condition. Last evaluated: 2021-11-10. Review status: no assertion criteria provided. Collection method: clinical testing. Allele origin: germline. Not counted in ClinVar's aggregate classification.
Comment: This variant is classified as likely benign based on ACMG/AMP sequence variant interpretation guidelines (Richards et al. 2015 PMID: 25741868, with internal and published modifications).